The following is an entry in ClinVar:

NM_001267550.2(TTN):c.98866A>G (p.Met32956Val)

Genes: TTN-AS1 (TTN antisense RNA 1; plus strand), TTN (titin; minus strand). Cytogenetic location: 2q31.2.
Variant type: single nucleotide variant.
Coding change: c.98866A>G on transcript NM_001267550.2 (MANE Select); coding-DNA position 98866, A replaced by G.
Protein change: p.Met32956Val; replaces methionine 32956 with valine.
Molecular consequence: missense variant. On other transcripts: non-coding transcript variant (1).
Genome position (GRCh38, 1-based): chr2:178,539,069, T>C on the plus strand (A>G on the coding strand, the complement: TTN is on the minus strand). VCF-style: chr2-178539069-T-C. GRCh37 (hg19) VCF-style: chr2-179403796-T-C.
Other names: c.93943A>G, p.Met31315Val (NM_001256850.1); c.72046A>G, p.Met24016Val (NM_133432.3); c.72247A>G, p.Met24083Val (NM_133437.4); c.71671A>G, p.Met23891Val (NM_003319.4); c.91162A>G, p.Met30388Val (NM_133378.4); short protein forms M30388V, M32956V, M23891V, M24083V, M31315V, M24016V.
Identifiers: ClinVar variation 165678 (VCV000165678.26), dbSNP rs727503538, ClinGen allele CA178391.

ClinVar aggregate classification (germline): Conflicting classifications of pathogenicity. Review status: criteria provided, conflicting classifications (1 of 4 stars). 10 submissions from 10 submitters: Uncertain significance (6); Likely benign (2). 2 of the submissions do not count toward it. Last evaluated 2026-01-20.

Conditions:
Cardiovascular phenotype. Identifiers: MedGen CN230736.
TTN-related disorder. Also called: TTN-related condition; TTN-related disease; TTN-related disorders.
Dilated cardiomyopathy 1G (CMD1G). Identifiers: Orphanet 154, MedGen C1858763, MONDO:0011400, OMIM 604145.
Autosomal recessive limb-girdle muscular dystrophy type 2J (LGMDR10). Also called: Limb-girdle muscular dystrophy, type 2J; MUSCULAR DYSTROPHY, LIMB-GIRDLE, AUTOSOMAL RECESSIVE 10. Identifiers: Orphanet 140922, MedGen C1837342, MONDO:0012127, OMIM 608807.
Early-onset myopathy with fatal cardiomyopathy (CMYO5). Also called: Salih Myopathy; CONGENITAL MYOPATHY 5 WITH CARDIOMYOPATHY. Identifiers: Orphanet 289377, MedGen C2673677, MONDO:0012714, OMIM 611705. Disease mechanism: loss of function.
Hypertrophic cardiomyopathy 9. Also called: Familial hypertrophic cardiomyopathy 9. Identifiers: MedGen C1861065, MONDO:0013412, OMIM 613765.
Tibial muscular dystrophy (TMD). Also called: UDD MYOPATHY; Tibial muscular dystrophy, tardive; Udd Distal Myopathy – Tibial Muscular Dystrophy. Identifiers: Orphanet 609, MedGen C1838244, MONDO:0010870, OMIM 600334.
Myopathy, myofibrillar, 9, with early respiratory failure (MFM9). Also called: Hereditary myopathy with early respiratory failure; MYOPATHY, PROXIMAL, WITH EARLY RESPIRATORY MUSCLE INVOLVEMENT; Myopathy, distal, with early respiratory failure, autosomal dominant; EDSTROM MYOPATHY. Identifiers: Orphanet 178464, Orphanet 34521, MedGen C1863599, MONDO:0011362, OMIM 603689.

Allele frequency attached by ClinVar (database versions not stated): TOPMed below 0.00001; gnomAD exomes 0.00001; ExAC 0.00002; gnomAD 0.00003 and 0.00005.
gnomAD v4.1: 30 of 1,613,758 alleles (0.0019%); highest among the groups gnomAD compares: East Asian, 0.011%; no homozygotes.

Submissions (10):

PreventionGenetics, part of Exact Sciences
Classification: Uncertain significance for TTN-related condition. Last evaluated: 2026-01-20. Review status: criteria provided, single submitter. Criteria: ACMG Guidelines, 2015. Collection method: clinical testing. Allele origin: germline.
Comment: The TTN c.98866A>G variant is predicted to result in the amino acid substitution p.Met32956Val. To our knowledge, this variant has not been reported in the literature. This variant is reported in 0.010% of alleles in individuals of East Asian descent in gnomAD. At this time, the clinical significance of this variant is uncertain due to the absence of conclusive functional and genetic evidence.

Revvity Omics, Revvity
Classification: Uncertain significance. Last evaluated: 2024-10-15. Review status: criteria provided, single submitter. Criteria: ACMG Guidelines, 2015. Collection method: clinical testing. Allele origin: germline.

Blueprint Genetics
Classification: Likely benign. Last evaluated: 2024-10-14. Review status: criteria provided, single submitter. Criteria: ACMG Guidelines, 2015. Collection method: clinical testing. Allele origin: germline.

Ambry Genetics
Classification: Likely benign for Cardiovascular phenotype. Last evaluated: 2020-03-26. Review status: criteria provided, single submitter. Criteria: Ambry Variant Classification Scheme 2023. Collection method: clinical testing. Allele origin: germline.

ARUP Laboratories, Molecular Genetics and Genomics, ARUP Laboratories
Classification: Uncertain significance. Last evaluated: 2019-03-01. Review status: criteria provided, single submitter. Criteria: ARUP Molecular Germline Variant Investigation Process. Collection method: clinical testing. Allele origin: germline.
Comment: The TTN c.91162A>G; p.Met30388Val variant (rs727503538; ClinVar Variation ID: 165678) is rare in the general population (<1% allele frequency in the Genome Aggregation Database) and has not been reported in the medical literature in association with dilated cardiomyopathy (DCM) or other TTN-related disease. The clinical relevance of rare missense variants in this gene, which are identified on average once per individual sequenced in affected populations (Herman 2012), is not well understood. Yet, evidence suggests that the vast majority of such missense variants do not contribute to the clinical outcome of DCM (Begay 2015). Thus, the clinical significance of the p.Met30388Val variant cannot be determined with certainty.

Fulgent Genetics
Classification: Uncertain significance for Tibial muscular dystrophy; Myopathy, myofibrillar, 9, with early respiratory failure; Dilated cardiomyopathy 1G; Autosomal recessive limb-girdle muscular dystrophy type 2J; Early-onset myopathy with fatal cardiomyopathy; Hypertrophic cardiomyopathy 9. Last evaluated: 2018-10-31. Review status: criteria provided, single submitter. Criteria: ACMG Guidelines, 2015. Collection method: clinical testing. Allele origin: unknown.

Labcorp Genetics (formerly Invitae), Labcorp
Classification: Uncertain significance for Dilated cardiomyopathy 1G; Autosomal recessive limb-girdle muscular dystrophy type 2J. Last evaluated: 2016-12-25. Review status: criteria provided, single submitter. Criteria: Invitae Variant Classification Sherloc (09022015). Collection method: clinical testing. Allele origin: germline.

Laboratory for Molecular Medicine, Mass General Brigham Personalized Medicine
Classification: Uncertain significance. Last evaluated: 2014-05-01. Review status: criteria provided, single submitter. Criteria: LMM Criteria. Collection method: clinical testing. Allele origin: germline. Observed: 1 variant allele.
Comment: The Met30388Val variant in TTN has not been previously reported in individuals w ith cardiomyopathy or in large population studies. Computational prediction tool s and conservation analysis do not provide strong support for or against an impa ct to the protein. In summary, the clinical significance of this variant is unce rtain.

Diagnostic Laboratory, Department of Genetics, University Medical Center Groningen
Classification: Uncertain significance. Review status: no assertion criteria provided. Collection method: clinical testing. Allele origin: germline. Affected: yes. Study: VKGL Data-share Consensus. Not counted in ClinVar's aggregate classification.

Genome Diagnostics Laboratory, University Medical Center Utrecht
Classification: Uncertain significance. Review status: no assertion criteria provided. Collection method: clinical testing. Allele origin: germline. Affected: yes. Study: VKGL Data-share Consensus. Not counted in ClinVar's aggregate classification.